The following is an entry in ClinVar:

ClinVar aggregate classification (germline): Pathogenic (1 of 4 stars; one submission).

Submission:

GeneDx
Classification: Pathogenic. Last evaluated: 2024-02-10. Review status: criteria provided, single submitter. Criteria: GeneDx Variant Classification Process June 2021. Collection method: clinical testing. Allele origin: germline. Affected: yes.
Comment: Frameshift variant predicted to result in protein truncation or nonsense mediated decay in a gene for which loss of function is a known mechanism of disease; Not observed at significant frequency in large population cohorts (gnomAD); This variant is associated with the following publications: (PMID: 23233322)

NM_000256.3(MYBPC3):c.1516del (p.Asp506fs)

Gene: MYBPC3 (myosin binding protein C3; minus strand). Cytogenetic location: 11p11.2.
Variant type: Deletion.
Coding change: c.1516del on transcript NM_000256.3 (MANE Select); coding-DNA position 1516, one base deleted (G; older notation c.1516delG).
Protein change: p.Asp506fs; shifts the reading frame from aspartic acid 506.
Molecular consequence: frameshift variant.
Genome position (GRCh38, 1-based): chr11:47,342,686, C deleted on the plus strand (G on the coding strand, the reverse complement: MYBPC3 is on the minus strand); the first of 2 consecutive C bases (chr11:47,342,686-47,342,687); deleting either gives the same sequence. VCF-style (leftmost placement, unchanged base first): chr11-47342685-TC-T. GRCh37 (hg19) VCF-style: chr11-47364236-TC-T.
Other names: c.1516delG (NM_000256.3); short protein forms D506fs.
Identifiers: ClinVar variation 1208791 (VCV001208791.4), dbSNP rs2142861091, ClinGen allele CA2499220972.